The following is an entry in ClinVar:

ClinVar aggregate classification (germline): Likely benign. Review status: criteria provided, multiple submitters, no conflicts (2 of 4 stars). 2 submissions from 2 submitters: Likely benign (2). Last evaluated 2025-10-31.

Conditions:
Kleefstra syndrome 1 (KLEFS1). Identifiers: Orphanet 261494, MedGen C0795833, MONDO:0027407, OMIM 610253.
EHMT1-related disorder. Also called: EHMT1-related condition.

Allele frequency attached by ClinVar (database versions not stated): gnomAD exomes below 0.00001.
gnomAD v4.1: 1 of 1,612,524 alleles (0.000062%); highest among the groups gnomAD compares: Non-Finnish European, 0.000085%; no homozygotes.

Submissions (2):

PreventionGenetics, part of Exact Sciences
Classification: Likely benign for EHMT1-related condition. Last evaluated: 2025-10-31. Review status: criteria provided, single submitter. Criteria: ACMG Guidelines, 2015. Collection method: clinical testing. Allele origin: germline.
Comment: This variant is classified as likely benign based on ACMG/AMP sequence variant interpretation guidelines (Richards et al. 2015 PMID: 25741868, with internal and published modifications).

Labcorp Genetics (formerly Invitae), Labcorp
Classification: Likely benign for Kleefstra syndrome 1. Last evaluated: 2025-08-06. Review status: criteria provided, single submitter. Criteria: Invitae Variant Classification Sherloc (09022015). Collection method: clinical testing. Allele origin: germline.

NM_024757.5(EHMT1):c.597G>A (p.Lys199=)

Gene: EHMT1 (euchromatic histone lysine methyltransferase 1; plus strand). Cytogenetic location: 9q34.3.
Variant type: single nucleotide variant.
Coding change: c.597G>A on transcript NM_024757.5 (MANE Select); coding-DNA position 597, G replaced by A.
Protein change: p.Lys199=; no amino-acid change (lysine 199 retained).
Molecular consequence: synonymous variant.
Genome position (GRCh38, 1-based): chr9:137,717,137, G>A. VCF-style: chr9-137717137-G-A. GRCh37 (hg19) VCF-style: chr9-140611589-G-A.
Other names: c.597G>A (NM_024757.4); c.504G>A, p.Lys168= (NM_001354612.2, NM_001354259.2); c.597G>A, p.Lys199= (NM_001145527.2, NM_001354263.2, NM_001354611.2).
Identifiers: ClinVar variation 1130793 (VCV001130793.10), dbSNP rs1312496277, ClinGen allele CA468160918.